The following is an entry in ClinVar:

ClinVar aggregate classification (germline): Uncertain significance. Review status: criteria provided, multiple submitters, no conflicts (2 of 4 stars). 2 submissions from 2 submitters: Uncertain significance (2). Last evaluated 2024-01-30.

Conditions:
Autosomal dominant polycystic kidney disease. Identifiers: Orphanet 730, MedGen C0085413, MONDO:0004691.
Inborn genetic diseases. Identifiers: MedGen C0950123, MeSH D030342.

Allele frequency attached by ClinVar (database versions not stated): gnomAD exomes 0.00003.

Submissions (2):

Ambry Genetics
Classification: Uncertain significance for Inborn genetic diseases. Last evaluated: 2024-01-30. Review status: criteria provided, single submitter. Criteria: Ambry Variant Classification Scheme 2023. Collection method: clinical testing. Allele origin: germline.

Labcorp Genetics (formerly Invitae), Labcorp
Classification: Uncertain significance for Autosomal dominant polycystic kidney disease. Last evaluated: 2021-11-13. Review status: criteria provided, single submitter. Criteria: Invitae Variant Classification Sherloc (09022015). Collection method: clinical testing. Allele origin: germline.
Comment: In summary, the available evidence is currently insufficient to determine the role of this variant in disease. Therefore, it has been classified as a Variant of Uncertain Significance. Algorithms developed to predict the effect of missense changes on protein structure and function (SIFT, PolyPhen-2, Align-GVGD) all suggest that this variant is likely to be tolerated. This variant has not been reported in the literature in individuals affected with PKD2-related conditions. This variant is present in population databases (no rsID available, gnomAD 0.007%). This sequence change replaces histidine, which is basic and polar, with tyrosine, which is neutral and polar, at codon 145 of the PKD2 protein (p.His145Tyr).

NM_000297.4(PKD2):c.433C>T (p.His145Tyr)

Genes: PKD2 (polycystin 2, transient receptor potential cation channel; plus strand), LOC129992813 (ATAC-STARR-seq lymphoblastoid silent region 15559; plus strand). Cytogenetic location: 4q22.1.
Variant type: single nucleotide variant.
Coding change: c.433C>T on transcript NM_000297.4 (MANE Select); coding-DNA position 433, C replaced by T.
Protein change: p.His145Tyr; replaces histidine 145 with tyrosine.
Molecular consequence: missense variant. On other transcripts: non-coding transcript variant (1).
Genome position (GRCh38, 1-based): chr4:88,008,166, C>T. VCF-style: chr4-88008166-C-T. GRCh37 (hg19) VCF-style: chr4-88929318-C-T.
Other names: c.433C>T (NM_000297.3); short protein forms H145Y.
Identifiers: ClinVar variation 1510272 (VCV001510272.7), dbSNP rs1487592803, ClinGen allele CA357626626.